The following is an entry in ClinVar:

ClinVar aggregate classification (germline): Conflicting classifications of pathogenicity. Review status: criteria provided, conflicting classifications (1 of 4 stars). 3 submissions from 3 submitters: Uncertain significance (1); Likely benign (2). Last evaluated 2026-07-07.

Conditions:
Rhabdoid tumor predisposition syndrome 2 (RTPS2). Identifiers: Orphanet 231108, Orphanet 69077, MedGen C2750074, MONDO:0013224, OMIM 613325.

Allele frequency attached by ClinVar (database versions not stated): gnomAD exomes below 0.00001; TOPMed below 0.00001.
gnomAD v4.1: 2 of 1,613,974 alleles (0.00012%); highest among the groups gnomAD compares: African/African-American, 0.0027%; no homozygotes.

Submissions (3):

Myriad Genetics, Inc.
Classification: Likely benign for Rhabdoid tumor predisposition syndrome 2. Last evaluated: 2026-07-07. Review status: criteria provided, single submitter. Criteria: Myriad Autosomal Dominant, Autosomal Recessive and X-Linked Classification Criteria (2023). Collection method: clinical testing. Allele origin: unknown.
Comment: This variant is considered likely benign. This variant is intronic and is not expected to impact mRNA splicing.

Labcorp Genetics (formerly Invitae), Labcorp
Classification: Likely benign for Rhabdoid tumor predisposition syndrome 2. Last evaluated: 2025-10-08. Review status: criteria provided, single submitter. Criteria: Invitae Variant Classification Sherloc (09022015). Collection method: clinical testing. Allele origin: germline.

Quest Diagnostics Nichols Institute San Juan Capistrano
Classification: Uncertain significance. Last evaluated: 2024-06-10. Review status: criteria provided, single submitter. Criteria: Quest Diagnostics criteria. Collection method: clinical testing. Allele origin: unknown.
Comment: The SMARCA4 c.2124-9C>T variant has not been reported in individuals with SMARCA4-related conditions in the published literature. It also has not been reported in large, multi-ethnic general populations (Genome Aggregation Database). Analysis of this variant using software algorithms for the prediction of the effect of nucleotide changes on splicing yielded predictions that this variant does not affect SMARCA4 mRNA splicing. Based on the available information, we are unable to determine the clinical significance of this variant.

NM_003072.5(SMARCA4):c.2124-9C>T

Gene: SMARCA4 (SWI/SNF related BAF chromatin remodeling complex subunit ATPase 4; plus strand). Cytogenetic location: 19p13.2.
Variant type: single nucleotide variant.
Coding change: c.2124-9C>T on transcript NM_003072.5 (MANE Select); 9 bases into the intron before coding-DNA position 2124, C replaced by T.
Molecular consequence: intron variant.
Genome position (GRCh38, 1-based): chr19:11,010,372, C>T. VCF-style: chr19-11010372-C-T. GRCh37 (hg19) VCF-style: chr19-11121048-C-T.
Other names: c.2124-9C>T (NM_001128844.3, NM_001128849.3, NM_001128847.4 and 5 more transcripts).
Identifiers: ClinVar variation 470286 (VCV000470286.13), dbSNP rs1415800050, ClinGen allele CA658656782.